The following is an entry in ClinVar:

NM_021831.6(AGBL5):c.858T>G (p.Phe286Leu)

Gene: AGBL5 (AGBL carboxypeptidase 5; plus strand). Cytogenetic location: 2p23.3.
Variant type: single nucleotide variant.
Coding change: c.858T>G on transcript NM_021831.6 (MANE Select); coding-DNA position 858, T replaced by G.
Protein change: p.Phe286Leu; replaces phenylalanine 286 with leucine.
Molecular consequence: missense variant. On other transcripts: non-coding transcript variant (2).
Genome position (GRCh38, 1-based): chr2:27,055,203, T>G. VCF-style: chr2-27055203-T-G. GRCh37 (hg19) VCF-style: chr2-27278071-T-G.
Other names: c.858T>G, p.Phe286Leu (NM_001035507.3); short protein forms F286L.
Identifiers: ClinVar variation 1011904 (VCV001011904.8), dbSNP rs769317509, ClinGen allele CA346175670.

ClinVar aggregate classification (germline): Uncertain significance (1 of 4 stars; one submission).

gnomAD v4.1: 2 of 1,614,206 alleles (0.00012%); highest among the groups gnomAD compares: Non-Finnish European, 0.00017%; no homozygotes.

Submission:

Labcorp Genetics (formerly Invitae), Labcorp
Classification: Uncertain significance. Last evaluated: 2022-03-10. Review status: criteria provided, single submitter. Criteria: Invitae Variant Classification Sherloc (09022015). Collection method: clinical testing. Allele origin: germline.
Comment: This sequence change replaces phenylalanine, which is neutral and non-polar, with leucine, which is neutral and non-polar, at codon 286 of the AGBL5 protein (p.Phe286Leu). This variant is present in population databases (no rsID available, gnomAD 0.0009%). This variant has not been reported in the literature in individuals affected with AGBL5-related conditions. ClinVar contains an entry for this variant (Variation ID: 1011904). Algorithms developed to predict the effect of missense changes on protein structure and function are either unavailable or do not agree on the potential impact of this missense change (SIFT: "Tolerated"; PolyPhen-2: "Probably Damaging"; Align-GVGD: "Class C0"). In summary, the available evidence is currently insufficient to determine the role of this variant in disease. Therefore, it has been classified as a Variant of Uncertain Significance.